The following is an entry in ClinVar:

NM_001243279.3(ACSF3):c.1556T>G (p.Val519Gly)

Gene: ACSF3 (acyl-CoA synthetase family member 3; plus strand). Cytogenetic location: 16q24.3.
Variant type: single nucleotide variant.
Coding change: c.1556T>G on transcript NM_001243279.3 (MANE Select); coding-DNA position 1556, T replaced by G.
Protein change: p.Val519Gly; replaces valine 519 with glycine.
Molecular consequence: missense variant. On other transcripts: non-coding transcript variant (4).
Genome position (GRCh38, 1-based): chr16:89,145,992, T>G. VCF-style: chr16-89145992-T-G. GRCh37 (hg19) VCF-style: chr16-89212400-T-G.
Other names: p.V519G:GTG>GGG; c.1556T>G, p.Val519Gly (NM_001127214.4, NM_174917.5); c.761T>G, p.Val254Gly (NM_001284316.2); short protein forms V519G, V254G.
Identifiers: ClinVar variation 203602 (VCV000203602.2), dbSNP rs796051922, ClinGen allele CA312303.

ClinVar aggregate classification (germline): Uncertain significance (1 of 4 stars; one submission).

Submission:

GeneDx
Classification: Uncertain significance. Last evaluated: 2013-12-31. Review status: criteria provided, single submitter. Criteria: GeneDx Variant Classification (06012015). Collection method: clinical testing. Allele origin: germline. Affected: yes.
Comment: This variant is denoted p.Val519Gly at the protein level, c.1556 T>G at the cDNA level, and results in the replacement of a Valine with a Glycine (GTG>GGG) in exon 10 of the ACSF3 gene (NM_174917.3). Mutations in the ACSF3 gene are associated with the autosomal recessive disorder combined malonic and methylmalonic aciduria (CMAMMA). The V519G missense substitution has not been published as a mutation or reported as a benign polymorphism to our knowledge. V519G is a conservative substitution as both Valine and Glycine are uncharged, non-polar residues. This substitution occurs at a position in the ACSF3 protein that is conserved in mammals. In-silico analyses are inconsistent in their predictions of whether or not V519G is damaging to the ACSF3 protein. Therefore, based on the currently available information, it is unclear whether V519G is a disease-causing mutation or a rare benign variant. The variant is found in MMA-MET panel(s).